The following is an entry in ClinVar:

NM_018972.4(GDAP1):c.618dup (p.Lys207fs)

Gene: GDAP1 (ganglioside induced differentiation associated protein 1; plus strand). Cytogenetic location: 8q21.11.
Variant type: Duplication.
Coding change: c.618dup on transcript NM_018972.4 (MANE Select); coding-DNA position 618, one base duplicated (G; older notation c.618dupG).
Protein change: p.Lys207fs; shifts the reading frame from lysine 207.
Molecular consequence: frameshift variant.
Genome position (GRCh38, 1-based): chr8:74,362,977, G duplicated. VCF-style (leftmost placement, unchanged base first): chr8-74362976-A-AG. GRCh37 (hg19) VCF-style: chr8-75275211-A-AG.
Other names: c.414dup, p.Lys139fs (NM_001040875.4); c.291dup, p.Lys98fs (NM_001362929.2, NM_001362932.2); c.444dup, p.Lys149fs (NM_001362930.2); c.618dup, p.Lys207fs (NM_001362931.2); short protein forms K98fs, K139fs, K149fs, K207fs.
Identifiers: ClinVar variation 962881 (VCV000962881.1), dbSNP rs1809447471, ClinGen allele CA1139660609.
Genomic context (GRCh38, chr8:74,362,976, plus strand): 5'-TTCTTTTTTTGGTGGTTAATTAGTCAAAGCTGCTTGATCATGACAATGTCAAGTATTTGA[A>AG]GAAAATTCTTGATGAGTTGGAGAAAGTCTTGGATCAGGTTGAAACTGAATTGCAAAGAAG-3'

ClinVar aggregate classification (germline): Pathogenic (1 of 4 stars; one submission).

Conditions:
Charcot-Marie-Tooth disease type 4A. Also called: Charcot-Marie-Tooth disease, demyelinating, autosomal recessive, type 4a. Identifiers: Orphanet 99948, MedGen C1859198, MONDO:0008961, OMIM 214400.

Submission:

Labcorp Genetics (formerly Invitae), Labcorp
Classification: Pathogenic for Charcot-Marie-Tooth disease, type 4A. Last evaluated: 2019-09-09. Review status: criteria provided, single submitter. Criteria: Invitae Variant Classification Sherloc (09022015). Collection method: clinical testing. Allele origin: germline.
Comment: This sequence change creates a premature translational stop signal (p.Lys207Glufs*4) in the GDAP1 gene. It is expected to result in an absent or disrupted protein product. This variant is not present in population databases (ExAC no frequency). This variant has not been reported in the literature in individuals with GDAP1-related conditions. Loss-of-function variants in GDAP1 are known to be pathogenic (PMID: 11743580, 20685671). For these reasons, this variant has been classified as Pathogenic.